The following is an entry in ClinVar:

NM_001372078.1(REV3L):c.5434G>C (p.Asp1812His)

Gene: REV3L (REV3 like, DNA directed polymerase zeta catalytic subunit; minus strand). Cytogenetic location: 6q21.
Variant type: single nucleotide variant.
Coding change: c.5434G>C on transcript NM_001372078.1 (MANE Select); coding-DNA position 5434, G replaced by C.
Protein change: p.Asp1812His; replaces aspartic acid 1812 with histidine.
Molecular consequence: missense variant.
Genome position (GRCh38, 1-based): chr6:111,372,921, C>G on the plus strand (G>C on the coding strand, the complement: REV3L is on the minus strand). VCF-style: chr6-111372921-C-G. GRCh37 (hg19) VCF-style: chr6-111694124-C-G.
Other names: c.5200G>C, p.Asp1734His (NM_001286431.2, NM_001286432.2); c.5434G>C, p.Asp1812His (NM_002912.5); short protein forms D1734H, D1812H.
Identifiers: ClinVar variation 3041876 (VCV003041876.2), dbSNP rs3218599, ClinGen allele CA3961861.

ClinVar aggregate classification (germline): Benign (0 of 4 stars; one submission).

Conditions:
REV3L-related disorder. Also called: REV3L-related condition.

Allele frequency attached by ClinVar (database versions not stated): 1000 Genomes Project 30x 0.00890; 1000 Genomes Project 0.00919; ExAC 0.01347; gnomAD 0.01380; ESP Exome Variant Server 0.01615.
gnomAD v4.1: 29,920 of 1,614,002 alleles (1.9%); highest among the groups gnomAD compares: Non-Finnish European, 2.2%; 342 homozygotes.

Submission:

PreventionGenetics, part of Exact Sciences
Classification: Benign for REV3L-related condition. Last evaluated: 2019-03-14. Review status: no assertion criteria provided. Collection method: clinical testing. Allele origin: germline.
Comment: This variant is classified as benign based on ACMG/AMP sequence variant interpretation guidelines (Richards et al. 2015 PMID: 25741868, with internal and published modifications).